The following is an entry in ClinVar:

ClinVar aggregate classification (germline): Uncertain significance (1 of 4 stars; one submission).

Conditions:
Autosomal recessive polycystic kidney disease (ARPKD). Also called: AR polycystic kidney disease. Identifiers: Orphanet 731, Orphanet 8378, MedGen C0085548, MeSH D017044, MONDO:0009889.

Allele frequency attached by ClinVar (database versions not stated): gnomAD exomes below 0.00001; gnomAD 0.00001.
gnomAD v4.1: 3 of 1,597,560 alleles (0.00019%); highest among the groups gnomAD compares: Admixed American, 0.0017%; no homozygotes.

Submission:

Labcorp Genetics (formerly Invitae), Labcorp
Classification: Uncertain significance for Autosomal recessive polycystic kidney disease. Last evaluated: 2020-04-11. Review status: criteria provided, single submitter. Criteria: Invitae Variant Classification Sherloc (09022015). Collection method: clinical testing. Allele origin: germline.
Comment: This sequence change replaces threonine with isoleucine at codon 2581 of the PKHD1 protein (p.Thr2581Ile). The threonine residue is weakly conserved and there is a moderate physicochemical difference between threonine and isoleucine. This variant is not present in population databases (ExAC no frequency). This variant has not been reported in the literature in individuals with PKHD1-related conditions. Algorithms developed to predict the effect of missense changes on protein structure and function are either unavailable or do not agree on the potential impact of this missense change (SIFT: "Deleterious"; PolyPhen-2: "Benign"; Align-GVGD: "Class C0"). In summary, the available evidence is currently insufficient to determine the role of this variant in disease. Therefore, it has been classified as a Variant of Uncertain Significance.

NM_138694.4(PKHD1):c.7742C>T (p.Thr2581Ile)

Gene: PKHD1 (PKHD1 ciliary IPT domain containing fibrocystin/polyductin; minus strand). Cytogenetic location: 6p12.2.
Variant type: single nucleotide variant.
Coding change: c.7742C>T on transcript NM_138694.4 (MANE Select); coding-DNA position 7742, C replaced by T.
Protein change: p.Thr2581Ile; replaces threonine 2581 with isoleucine.
Molecular consequence: missense variant.
Genome position (GRCh38, 1-based): chr6:51,856,062, G>A on the plus strand (C>T on the coding strand, the complement: PKHD1 is on the minus strand). VCF-style: chr6-51856062-G-A. GRCh37 (hg19) VCF-style: chr6-51720860-G-A.
Other names: c.7742C>T, p.Thr2581Ile (NM_170724.3); short protein forms T2581I.
Identifiers: ClinVar variation 1005596 (VCV001005596.9), dbSNP rs1447744840, ClinGen allele CA364434779.